The following is an entry in ClinVar:

ClinVar aggregate classification (germline): Uncertain significance (1 of 4 stars; one submission).

Allele frequency attached by ClinVar (database versions not stated): gnomAD exomes below 0.00001 and 0.00001.
gnomAD v4.1: 3 of 1,613,996 alleles (0.00019%); highest among the groups gnomAD compares: South Asian, 0.0011%; no homozygotes.

Submission:

Labcorp Genetics (formerly Invitae), Labcorp
Classification: Uncertain significance. Last evaluated: 2022-08-16. Review status: criteria provided, single submitter. Criteria: Invitae Variant Classification Sherloc (09022015). Collection method: clinical testing. Allele origin: germline.
Comment: This variant is present in population databases (no rsID available, gnomAD 0.003%). This variant has not been reported in the literature in individuals affected with RP1-related conditions. ClinVar contains an entry for this variant (Variation ID: 1024700). Algorithms developed to predict the effect of missense changes on protein structure and function output the following: SIFT: "Tolerated"; PolyPhen-2: "Benign"; Align-GVGD: "Class C0". The glycine amino acid residue is found in multiple mammalian species, which suggests that this missense change does not adversely affect protein function. This sequence change replaces aspartic acid, which is acidic and polar, with glycine, which is neutral and non-polar, at codon 1411 of the RP1 protein (p.Asp1411Gly). Algorithms developed to predict the effect of sequence changes on RNA splicing suggest that this variant may create or strengthen a splice site. In summary, the available evidence is currently insufficient to determine the role of this variant in disease. Therefore, it has been classified as a Variant of Uncertain Significance.

NM_006269.2(RP1):c.4232A>G (p.Asp1411Gly)

Gene: RP1 (RP1 axonemal microtubule associated; plus strand). Cytogenetic location: 8q12.1.
Variant type: single nucleotide variant.
Coding change: c.4232A>G on transcript NM_006269.2 (MANE Select); coding-DNA position 4232, A replaced by G.
Protein change: p.Asp1411Gly; replaces aspartic acid 1411 with glycine.
Molecular consequence: missense variant. On other transcripts: intron variant (1).
Genome position (GRCh38, 1-based): chr8:54,628,114, A>G. VCF-style: chr8-54628114-A-G. GRCh37 (hg19) VCF-style: chr8-55540674-A-G.
Other names: c.787+5826A>G (NM_001375654.1); short protein forms D1411G.
Identifiers: ClinVar variation 1024700 (VCV001024700.8), dbSNP rs1481855221, ClinGen allele CA370981744.